The following is an entry in ClinVar:

ClinVar aggregate classification (germline): Pathogenic (1 of 4 stars; one submission).

Conditions:
Primary hyperoxaluria, type II (HP2). Also called: D-GLYCERATE DEHYDROGENASE DEFICIENCY; GLYCERIC ACIDURIA; GLYOXYLATE REDUCTASE/HYDROXYPYRUVATE REDUCTASE DEFICIENCY; OXALOSIS II; Primary hyperoxaluria type 2. Identifiers: Orphanet 416, Orphanet 93599, MedGen C0268165, MONDO:0009824, OMIM 260000. Disease mechanism: loss of function.

Submission:

Myriad Genetics, Inc.
Classification: Pathogenic for Primary hyperoxaluria, type II. Last evaluated: 2025-04-03. Review status: criteria provided, single submitter. Criteria: Myriad Autosomal Dominant, Autosomal Recessive and X-Linked Classification Criteria (2023). Collection method: clinical testing. Allele origin: unknown.
Comment: NM_012203.1(GRHPR):c.333delC(A112Pfs*22) is expected to be pathogenic in the context of primary hyperoxaluria type 2. This variant is predicted to lead to an abnormal or absent protein product due to the creation of a premature termination codon in GRHPR, a gene where loss-of-function variants are known to be pathogenic. Please note: this variant was assessed in the context of healthy population screening.

NM_012203.2(GRHPR):c.333del (p.Ala112fs)

Gene: GRHPR (glyoxylate and hydroxypyruvate reductase; plus strand). Cytogenetic location: 9p13.2.
Variant type: Deletion.
Coding change: c.333del on transcript NM_012203.2 (MANE Select); coding-DNA position 333, one base deleted (C; older notation c.333delC).
Protein change: p.Ala112fs; shifts the reading frame from alanine 112.
Molecular consequence: frameshift variant.
Genome position (GRCh38, 1-based): chr9:37,426,583, C deleted; the last of 2 consecutive C bases (chr9:37,426,582-37,426,583); deleting either gives the same sequence. VCF-style (leftmost placement, unchanged base first): chr9-37426581-AC-A. GRCh37 (hg19) VCF-style: chr9-37426578-AC-A.
Other names: short protein forms A112fs.
Identifiers: ClinVar variation 5014296 (VCV005014296.1).
Genomic context (GRCh38, chr9:37,426,581, plus strand): 5'-AGATGTCTGATTCGTAGTGGGATCCGAGTTGGCTACACCCCAGATGTCCTGACAGATACC[AC>A]CGCCGAACTCGCAGTCTCCCTGCTACTTACCACCTGCCGCCGGTTGCCGGAGGCCATCGA-3'